The following is an entry in ClinVar:

NM_207361.6(FREM2):c.*2926G>A

Gene: FREM2 (FRAS1 related extracellular matrix 2; plus strand). Cytogenetic location: 13q13.3.
Variant type: single nucleotide variant.
Coding change: c.*2926G>A on transcript NM_207361.6 (MANE Select); 2926 bases downstream of the stop codon, G replaced by A.
Molecular consequence: 3 prime UTR variant.
Genome position (GRCh38, 1-based): chr13:38,883,713, G>A. VCF-style: chr13-38883713-G-A. GRCh37 (hg19) VCF-style: chr13-39457850-G-A.
Other names: NC_000013.10:g.39457850G>A.
Identifiers: ClinVar variation 312075 (VCV000312075.7), dbSNP rs1945508, ClinGen allele CA10639515.

ClinVar aggregate classification (germline): Benign. Review status: criteria provided, multiple submitters, no conflicts (2 of 4 stars). 2 submissions from 2 submitters: Benign (2). Last evaluated 2018-01-12.

Conditions:
Fraser syndrome 2 (FRASRS2). Identifiers: MedGen C4540036, MONDO:0054738, OMIM 617666.

Allele frequency attached by ClinVar (database versions not stated): gnomAD 0.26049 and 0.26131; TOPMed 0.26641; 1000 Genomes Project 0.29872; 1000 Genomes Project 30x 0.29934.

Submissions (3):

Illumina Laboratory Services, Illumina
Classification: Benign for Fraser syndrome 2. Last evaluated: 2018-01-12. Review status: criteria provided, single submitter. Criteria: ICSL Variant Classification Criteria 13 December 2019. Collection method: clinical testing. Allele origin: germline.
Comment: This variant was observed in the ICSL laboratory as part of a predisposition screen in an ostensibly healthy population. It had not been previously curated by ICSL or reported in the Human Gene Mutation Database (HGMD: prior to June 1st, 2018), and was therefore a candidate for classification through an automated scoring system. Utilizing variant allele frequency, disease prevalence and penetrance estimates, and inheritance mode, an automated score was calculated to assess if this variant is too frequent to cause the disease. Based on the score and internal cut-off values, a variant classified as benign is not then subjected to further curation. The score for this variant resulted in a classification of benign for this disease.

Breakthrough Genomics
Classification: Benign. Review status: criteria provided, single submitter. Criteria: ACMG Guidelines, 2015. Collection method: not provided. Allele origin: germline. Inheritance: Autosomal recessive inheritance. Affected: yes.

Dr. Peter K. Rogan Lab, Western University
No classification provided (evidence only). Condition: Gastric cancer. Review status: no classification provided. Collection method: in vitro. Allele origin: not applicable. Functional consequence: retained intron. Not counted in ClinVar's aggregate classification.